The following is an entry in ClinVar:

ClinVar aggregate classification (germline): Conflicting classifications of pathogenicity. Review status: criteria provided, conflicting classifications (1 of 4 stars). 7 submissions from 7 submitters: Uncertain significance (4); Benign (1); Likely benign (2). Last evaluated 2026-05-27.

Conditions:
Tip-toe gait. Also called: Toe walking. Identifiers: MedGen C0427144, HP:0030051.
SBF1-related disorder. Also called: SBF1-related condition.

Allele frequency attached by ClinVar (database versions not stated): ESP Exome Variant Server 0.00008; gnomAD exomes 0.00010; gnomAD 0.00015 and 0.00016; TOPMed 0.00018; ExAC 0.00025.
gnomAD v4.1: 166 of 1,539,992 alleles (0.011%); highest among the groups gnomAD compares: Middle Eastern, 0.23%; no homozygotes.

Submissions (7):

PreventionGenetics, part of Exact Sciences
Classification: Uncertain significance for SBF1-related condition. Last evaluated: 2026-05-27. Review status: criteria provided, single submitter. Criteria: ACMG Guidelines, 2015. Collection method: clinical testing. Allele origin: germline.
Comment: The SBF1 c.3985G>A variant is predicted to result in the amino acid substitution p.Ala1329Thr. To our knowledge, this variant has not been reported in the literature. This variant is reported in 0.026% of alleles in individuals of African descent in gnomAD. At this time, the clinical significance of this variant is uncertain due to the absence of conclusive functional and genetic evidence.

Women's Health and Genetics/Laboratory Corporation of America, LabCorp
Classification: Uncertain significance. Last evaluated: 2025-07-31. Review status: criteria provided, single submitter. Criteria: LabCorp Variant Classification Summary - May 2015. Collection method: clinical testing. Allele origin: germline.
Comment: Variant summary: SBF1 c.3985G>A (p.Ala1329Thr) results in a non-conservative amino acid change in the encoded protein sequence. Algorithms developed to predict the effect of missense changes on protein structure and function are either unavailable or do not agree on the potential impact of this missense change. The variant allele was found at a frequency of 0.0001 in 157608 control chromosomes. This frequency is not significantly higher than estimated for a pathogenic variant in SBF1 causing Charcot-Marie-Tooth disease type 4B3 (0.0001 vs 0.0011), allowing no conclusion about variant significance. To our knowledge, no occurrence of c.3985G>A in individuals affected with Charcot-Marie-Tooth disease type 4B3 and no experimental evidence demonstrating its impact on protein function have been reported. ClinVar contains an entry for this variant (Variation ID: 1163182). Based on the evidence outlined above, the variant was classified as uncertain significance.

Practice for Gait Abnormalities, David Pomarino, Competency Network Toe Walking C/o Practice Pomarino
Classification: Benign for Tip-toe gait. Last evaluated: 2024-07-10. Review status: criteria provided, single submitter. Criteria: Pomarino et al. (Glob Med Genet. 2026). Collection method: clinical testing. Allele origin: germline. Affected: yes.

Labcorp Genetics (formerly Invitae), Labcorp
Classification: Uncertain significance. Last evaluated: 2023-12-04. Review status: criteria provided, single submitter. Criteria: Invitae Variant Classification Sherloc (09022015). Collection method: clinical testing. Allele origin: germline.
Comment: This sequence change replaces alanine, which is neutral and non-polar, with threonine, which is neutral and polar, at codon 1329 of the SBF1 protein (p.Ala1329Thr). This variant is present in population databases (rs372950672, gnomAD 0.02%). This variant has not been reported in the literature in individuals affected with SBF1-related conditions. ClinVar contains an entry for this variant (Variation ID: 1163182). Advanced modeling of protein sequence and biophysical properties (such as structural, functional, and spatial information, amino acid conservation, physicochemical variation, residue mobility, and thermodynamic stability) performed at Invitae indicates that this missense variant is not expected to disrupt SBF1 protein function with a negative predictive value of 80%. In summary, the available evidence is currently insufficient to determine the role of this variant in disease. Therefore, it has been classified as a Variant of Uncertain Significance.

Ambry Genetics
Classification: Likely benign. Last evaluated: 2022-04-25. Review status: criteria provided, single submitter. Criteria: Ambry Variant Classification Scheme 2023. Collection method: clinical testing. Allele origin: germline.

Mayo Clinic Laboratories, Mayo Clinic
Classification: Uncertain significance. Last evaluated: 2020-02-18. Review status: criteria provided, single submitter. Criteria: ACMG Guidelines, 2015. Collection method: clinical testing. Allele origin: germline. Observed: 1 variant allele.

GeneDx
Classification: Likely benign. Last evaluated: 2018-10-03. Review status: criteria provided, single submitter. Criteria: GeneDx Variant Classification Process June 2021. Collection method: clinical testing. Allele origin: germline. Affected: yes.
Comment: In silico analysis, which includes protein predictors and evolutionary conservation, supports that this variant does not alter protein structure/function; Has not been previously published as pathogenic or benign to our knowledge

NM_002972.4(SBF1):c.3985G>A (p.Ala1329Thr)

Gene: SBF1 (SET binding factor 1; minus strand). Cytogenetic location: 22q13.33.
Variant type: single nucleotide variant.
Coding change: c.3985G>A on transcript NM_002972.4 (MANE Select); coding-DNA position 3985, G replaced by A.
Protein change: p.Ala1329Thr; replaces alanine 1329 with threonine.
Molecular consequence: missense variant.
Genome position (GRCh38, 1-based): chr22:50,456,593, C>T on the plus strand (G>A on the coding strand, the complement: SBF1 is on the minus strand). VCF-style: chr22-50456593-C-T. GRCh37 (hg19) VCF-style: chr22-50895022-C-T.
Other names: c.3910G>A, p.Ala1304Thr (NM_001365819.1); short protein forms A1304T, A1329T.
Identifiers: ClinVar variation 1163182 (VCV001163182.15), dbSNP rs372950672, ClinGen allele CA10316449.